The following is an entry in ClinVar:

NM_001199107.2(TBC1D24):c.751T>G (p.Phe251Val)

Gene: TBC1D24 (TBC1 domain family member 24; plus strand). Cytogenetic location: 16p13.3.
Variant type: single nucleotide variant.
Coding change: c.751T>G on transcript NM_001199107.2 (MANE Select); coding-DNA position 751, T replaced by G.
Protein change: p.Phe251Val; replaces phenylalanine 251 with valine.
Molecular consequence: missense variant.
Genome position (GRCh38, 1-based): chr16:2,496,899, T>G. VCF-style: chr16-2496899-T-G. GRCh37 (hg19) VCF-style: chr16-2546900-T-G.
Other names: c.751T>G, p.Phe251Val (NM_020705.3); short protein forms F251V.
Identifiers: ClinVar variation 1326157 (VCV001326157.8), dbSNP rs267607104, ClinGen allele CA394377149.

ClinVar aggregate classification (germline): Conflicting classifications of pathogenicity. Review status: criteria provided, conflicting classifications (1 of 4 stars). 2 submissions from 2 submitters: Likely pathogenic (1); Uncertain significance (1). Last evaluated 2025-11-05.

Conditions:
Developmental and epileptic encephalopathy, 1 (DEE1). Also called: X-linked infantile spasms; West's syndrome; Tonic spasms with clustering, arrest of psychomotor development and hypsarrhythmia on EEG; X-Linked Infantile Spasm Syndrome; OHTAHARA SYNDROME, X-LINKED; INFANTILE SPASM SYNDROME, X-LINKED 1. Identifiers: MedGen C3463992, MONDO:0010632, OMIM 308350. Disease mechanism: loss of function.
Autosomal dominant nonsyndromic hearing loss 65. Also called: TBC1D24-Related Autosomal Dominant Nonsyndromic Hearing Loss (DFNA); Deafness, autosomal dominant 65. Identifiers: Orphanet 90635, MedGen C3892048, MONDO:0014470, OMIM 616044.

Submissions (2):

GeneDx
Classification: Likely pathogenic. Last evaluated: 2025-11-05. Review status: criteria provided, single submitter. Criteria: GeneDx Variant Classification Process June 2021. Collection method: clinical testing. Allele origin: germline. Affected: yes.
Comment: Has not been previously published as pathogenic or benign to our knowledge; Not observed at significant frequency in large population cohorts (gnomAD); In silico analysis supports that this missense variant has a deleterious effect on protein structure/function; This variant is associated with the following publications: (PMID: 20797691, 32004315)

Labcorp Genetics (formerly Invitae), Labcorp
Classification: Uncertain significance for Developmental and epileptic encephalopathy, 1; Autosomal dominant nonsyndromic hearing loss 65. Last evaluated: 2023-06-24. Review status: criteria provided, single submitter. Criteria: Invitae Variant Classification Sherloc (09022015). Collection method: clinical testing. Allele origin: germline.
Comment: ClinVar contains an entry for this variant (Variation ID: 1326157). In summary, the available evidence is currently insufficient to determine the role of this variant in disease. Therefore, it has been classified as a Variant of Uncertain Significance. This variant disrupts the p.Phe251 amino acid residue in TBC1D24. Other variant(s) that disrupt this residue have been determined to be pathogenic (PMID: 20797691). This suggests that this residue is clinically significant, and that variants that disrupt this residue are likely to be disease-causing. Advanced modeling of protein sequence and biophysical properties (such as structural, functional, and spatial information, amino acid conservation, physicochemical variation, residue mobility, and thermodynamic stability) performed at Invitae indicates that this missense variant is not expected to disrupt TBC1D24 protein function. This variant has not been reported in the literature in individuals affected with TBC1D24-related conditions. This variant is not present in population databases (gnomAD no frequency). This sequence change replaces phenylalanine, which is neutral and non-polar, with valine, which is neutral and non-polar, at codon 251 of the TBC1D24 protein (p.Phe251Val).

Literature cited by the submitters: PubMed 20797691 (cited by Labcorp Genetics (formerly Invitae), Labcorp).